The following is an entry in ClinVar:

ClinVar aggregate classification (germline): Pathogenic/Likely pathogenic. Review status: criteria provided, multiple submitters, no conflicts (2 of 4 stars). 3 submissions from 3 submitters: Pathogenic (1); Likely pathogenic (2). Last evaluated 2025-02-16.

Conditions:
ERCC4-Related Disorders.
Cockayne syndrome. Identifiers: Orphanet 191, MedGen C0009207, MONDO:0016006.
Fanconi anemia complementation group Q. Identifiers: Orphanet 84, MedGen C3808988, MONDO:0014108, OMIM 615272.
Xeroderma pigmentosum, group F (XPF). Also called: XERODERMA PIGMENTOSUM, COMPLEMENTATION GROUP F; XERODERMA PIGMENTOSUM, TYPE F; Xeroderma pigmentosum, type 6; XERODERMA PIGMENTOSUM VI; XP, GROUP F; ERCC4-Related Xeroderma Pigmentosum. Identifiers: MedGen C0268140, MONDO:0010215, OMIM 278760.

Submissions (3):

Labcorp Genetics (formerly Invitae), Labcorp
Classification: Pathogenic for Fanconi anemia complementation group Q; Xeroderma pigmentosum, group F; Cockayne syndrome. Last evaluated: 2025-02-16. Review status: criteria provided, single submitter. Criteria: Invitae Variant Classification Sherloc (09022015). Collection method: clinical testing. Allele origin: germline.
Comment: This sequence change creates a premature translational stop signal (p.Gln473Profs*30) in the ERCC4 gene. It is expected to result in an absent or disrupted protein product. Loss-of-function variants in ERCC4 are known to be pathogenic (PMID: 9580660). This variant is present in population databases (rs758567128, gnomAD 0.002%). This premature translational stop signal has been observed in individual(s) with ERCC4-related conditions (PMID: 29753700). For these reasons, this variant has been classified as Pathogenic.

St. Jude Molecular Pathology, St. Jude Children's Research Hospital
Classification: Likely pathogenic for Xeroderma pigmentosum, group F. Last evaluated: 2025-01-28. Review status: criteria provided, single submitter. Criteria: St. Jude Assertion Criteria 2020. Collection method: clinical testing. Allele origin: germline.
Comment: The ERCC4 c.1417dup p.(Gln473ProfsTer30) change inserts one nucleotide in exon 8 of the ERCC4 gene to cause a frameshift of the protein coding sequence and the creation of a premature stop codon after 30 new amino acids. This change is predicted to cause protein truncation or absence of protein due to nonsense-mediated decay. To our knowledge, this variant has not been reported in individuals with Xeroderma pigmentosum or Fanconi anemia. This variant has a maximum subpopulation frequency of 0.0018 in gnomAD v2.1.1. In summary, this variant meets criteria to be classified as likely pathogenic.

Blueprint Genetics
Classification: Likely pathogenic for ERCC4-related disorders. Last evaluated: 2024-03-28. Review status: criteria provided, single submitter. Criteria: ACMG Guidelines, 2015. Collection method: clinical testing. Allele origin: germline. Affected: yes. Observed: 4 variant alleles.

Literature cited by the submitters: PubMed 9580660 (cited by Labcorp Genetics (formerly Invitae), Labcorp); PubMed 29753700 (cited by Labcorp Genetics (formerly Invitae), Labcorp).

NM_005236.3(ERCC4):c.1417dup (p.Gln473fs)

Gene: ERCC4 (ERCC excision repair 4, endonuclease catalytic subunit; plus strand). Cytogenetic location: 16p13.12.
Variant type: Duplication.
Coding change: c.1417dup on transcript NM_005236.3 (MANE Select); coding-DNA position 1417, one base duplicated (C; older notation c.1417dupC).
Protein change: p.Gln473fs; shifts the reading frame from glutamine 473.
Molecular consequence: frameshift variant.
Genome position (GRCh38, 1-based): chr16:13,935,349, C duplicated; the last of 5 consecutive C bases (chr16:13,935,345-13,935,349); duplicating any one gives the same sequence. VCF-style (leftmost placement, unchanged base first): chr16-13935344-A-AC. GRCh37 (hg19) VCF-style: chr16-14029201-A-AC.
Other names: short protein forms Q473fs.
Identifiers: ClinVar variation 3602651 (VCV003602651.3).